The following is an entry in ClinVar:

NM_001378615.1(CC2D2A):c.3401C>T (p.Ala1134Val)

Genes: FBXL5 (F-box and leucine rich repeat protein 5; minus strand), CC2D2A (coiled-coil and C2 domain containing 2A; plus strand). Cytogenetic location: 4p15.32.
Variant type: single nucleotide variant.
Coding change: c.3401C>T on transcript NM_001378615.1 (MANE Select); coding-DNA position 3401, C replaced by T.
Protein change: p.Ala1134Val; replaces alanine 1134 with valine.
Molecular consequence: missense variant.
Genome position (GRCh38, 1-based): chr4:15,569,295, C>T. VCF-style: chr4-15569295-C-T. GRCh37 (hg19) VCF-style: chr4-15570918-C-T.
Other names: c.3401C>T, p.Ala1134Val (NM_001080522.2); c.3254C>T, p.Ala1085Val (NM_001378617.1); short protein forms A1134V, A1085V.
Identifiers: ClinVar variation 1375313 (VCV001375313.3), dbSNP rs375903728, ClinGen allele CA92516601.

ClinVar aggregate classification (germline): Uncertain significance (1 of 4 stars; one submission).

Conditions:
Joubert syndrome. Also called: JOUBERT-BOLTSHAUSER SYNDROME; Familial aplasia of the vermis. Identifiers: Orphanet 475, MedGen C5979921, MONDO:0018772.
Meckel-Gruber syndrome. Also called: DYSENCEPHALIA SPLANCHNOCYSTICA; GRUBER SYNDROME; Dysencephalia splachnocystica. Identifiers: Orphanet 564, MedGen C0265215, MONDO:0018921.

Allele frequency attached by ClinVar (database versions not stated): gnomAD exomes below 0.00001 and 0.00001; ESP Exome Variant Server 0.00008.
gnomAD v4.1: 2 of 1,565,972 alleles (0.00013%); highest among the groups gnomAD compares: Admixed American, 0.0018%; no homozygotes.

Submission:

Labcorp Genetics (formerly Invitae), Labcorp
Classification: Uncertain significance for Joubert syndrome; Meckel-Gruber syndrome. Last evaluated: 2021-08-19. Review status: criteria provided, single submitter. Criteria: Invitae Variant Classification Sherloc (09022015). Collection method: clinical testing. Allele origin: germline.
Comment: This sequence change replaces alanine with valine at codon 1134 of the CC2D2A protein (p.Ala1134Val). The alanine residue is highly conserved and there is a small physicochemical difference between alanine and valine. This variant is not present in population databases (ExAC no frequency). This variant has not been reported in the literature in individuals affected with CC2D2A-related conditions. Algorithms developed to predict the effect of missense changes on protein structure and function are either unavailable or do not agree on the potential impact of this missense change (SIFT: "Deleterious"; PolyPhen-2: "Benign"; Align-GVGD: "Class C0"). In summary, the available evidence is currently insufficient to determine the role of this variant in disease. Therefore, it has been classified as a Variant of Uncertain Significance.